The following is an entry in ClinVar:

NM_001042432.2(CLN3):c.530C>T (p.Pro177Leu)

Gene: CLN3 (CLN3 lysosomal/endosomal transmembrane protein, battenin; minus strand). Cytogenetic location: 16p12.1.
Variant type: single nucleotide variant.
Coding change: c.530C>T on transcript NM_001042432.2 (MANE Select); coding-DNA position 530, C replaced by T.
Protein change: p.Pro177Leu; replaces proline 177 with leucine.
Molecular consequence: missense variant.
Genome position (GRCh38, 1-based): chr16:28,486,581, G>A on the plus strand (C>T on the coding strand, the complement: CLN3 is on the minus strand). VCF-style: chr16-28486581-G-A. GRCh37 (hg19) VCF-style: chr16-28497902-G-A.
Other names: c.530C>T, p.Pro177Leu (NM_000086.2); c.458C>T, p.Pro153Leu (NM_001286104.2); c.230C>T, p.Pro77Leu (NM_001286105.2); c.296C>T, p.Pro99Leu (NM_001286109.2); c.368C>T, p.Pro123Leu (NM_001286110.2); short protein forms P153L, P77L, P99L, P123L, P177L.
Identifiers: ClinVar variation 1951843 (VCV001951843.3), dbSNP rs2046223117, ClinGen allele CA395345613.
Genomic context (GRCh38, chr16:28,486,581, plus strand): 5'-GGACCTAGGCTGACCATGGGACAGCCTCTCCCCACACTCCCTGCTCCACCTGCTTACCTG[G>A]GGTAGAAGGCAGTGAGGGAGAGGAAGGTGACCTCCCCAAGGCCTGATGAGATGCTAGCGA-3'
Protein context (NP_001035897.1, residues 167-187): VTFLSLTAFY[Pro177Leu]RAVISWWSSG

ClinVar aggregate classification (germline): Uncertain significance. Review status: criteria provided, multiple submitters, no conflicts (2 of 4 stars). 2 submissions from 2 submitters: Uncertain significance (2). Last evaluated 2022-06-20.

Conditions:
Neuronal ceroid lipofuscinosis. Also called: Neuronal Ceroid Lipofuscinoses. Identifiers: Orphanet 216, Orphanet 79263, MedGen C0027877, MONDO:0016295. Disease mechanism: loss of function.

Allele frequency attached by ClinVar (database versions not stated): TOPMed below 0.00001.

Submissions (2):

Blueprint Genetics
Classification: Uncertain significance. Last evaluated: 2022-06-20. Review status: criteria provided, single submitter. Criteria: ACMG Guidelines, 2015. Collection method: clinical testing. Allele origin: germline.

Labcorp Genetics (formerly Invitae), Labcorp
Classification: Uncertain significance for Neuronal ceroid lipofuscinosis. Last evaluated: 2022-03-04. Review status: criteria provided, single submitter. Criteria: Invitae Variant Classification Sherloc (09022015). Collection method: clinical testing. Allele origin: germline.
Comment: This sequence change replaces proline, which is neutral and non-polar, with leucine, which is neutral and non-polar, at codon 177 of the CLN3 protein (p.Pro177Leu). This variant is not present in population databases (gnomAD no frequency). This variant has not been reported in the literature in individuals affected with CLN3-related conditions. Algorithms developed to predict the effect of missense changes on protein structure and function are either unavailable or do not agree on the potential impact of this missense change (SIFT: "Tolerated"; PolyPhen-2: "Probably Damaging"; Align-GVGD: "Class C0"). In summary, the available evidence is currently insufficient to determine the role of this variant in disease. Therefore, it has been classified as a Variant of Uncertain Significance.